The following is an entry in ClinVar:

NM_006073.4(TRDN):c.176C>T (p.Thr59Met)

Gene: TRDN (triadin; minus strand). Cytogenetic location: 6q22.31.
Variant type: single nucleotide variant.
Coding change: c.176C>T on transcript NM_006073.4 (MANE Select); coding-DNA position 176, C replaced by T.
Protein change: p.Thr59Met; replaces threonine 59 with methionine.
Molecular consequence: missense variant.
Genome position (GRCh38, 1-based): chr6:123,570,979, G>A on the plus strand (C>T on the coding strand, the complement: TRDN is on the minus strand). VCF-style: chr6-123570979-G-A. GRCh37 (hg19) VCF-style: chr6-123892124-G-A.
Other names: c.176C>T, p.Thr59Met (NM_001251987.2, NM_001256020.2, NM_001256021.2 and 1 more transcripts); c.176C>T (NM_001256020.1); short protein forms T59M.
Identifiers: ClinVar variation 463670 (VCV000463670.17), dbSNP rs397515459, ClinGen allele CA3984454.

ClinVar aggregate classification (germline): Conflicting classifications of pathogenicity. Review status: criteria provided, conflicting classifications (1 of 4 stars). 5 submissions from 5 submitters: Pathogenic (1); Likely pathogenic (1); Uncertain significance (3). Last evaluated 2025-03-11.

Conditions:
Cardiovascular phenotype. Identifiers: MedGen CN230736.
Catecholaminergic polymorphic ventricular tachycardia 5 (CARDAR). Also called: Ventricular tachycardia, catecholaminergic polymorphic, 5, with or without muscle weakness; CARDIAC ARRHYTHMIA SYNDROME, WITH OR WITHOUT SKELETAL MUSCLE WEAKNESS. Identifiers: Orphanet 3286, MedGen C3809536, MONDO:0014191, OMIM 615441.
Catecholaminergic polymorphic ventricular tachycardia 1. Also called: VENTRICULAR TACHYCARDIA, STRESS-INDUCED POLYMORPHIC 1; VENTRICULAR TACHYCARDIA, CATECHOLAMINERGIC POLYMORPHIC, 1, WITH OR WITHOUT ATRIAL DYSFUNCTION AND/OR DILATED CARDIOMYOPATHY; RYR2-Related Catecholaminergic Polymorphic Ventricular Tachycardia. Identifiers: Orphanet 3286, MedGen C1631597, MONDO:0011484, OMIM 604772.

Allele frequency attached by ClinVar (database versions not stated): ExAC 0.00001; gnomAD 0.00001 and 0.00002; gnomAD exomes 0.00002.
gnomAD v4.1: 31 of 1,613,822 alleles (0.0019%); highest among the groups gnomAD compares: Admixed American, 0.0033%; no homozygotes.

Submissions (5):

GeneDx
Classification: Uncertain significance. Last evaluated: 2025-03-11. Review status: criteria provided, single submitter. Criteria: GeneDx Variant Classification Process June 2021. Collection method: clinical testing. Allele origin: germline. Affected: yes.
Comment: Identified in a patient with Triadin knockout syndrome (TKOS) who also harbored a splicing variant in the TRDN gene (PMID: 30649896); Not observed at significant frequency in large population cohorts (gnomAD); In silico analysis supports that this missense variant has a deleterious effect on protein structure/function; This variant is associated with the following publications: (PMID: 30649896)

Fulgent Genetics
Classification: Likely pathogenic for Catecholaminergic polymorphic ventricular tachycardia 5. Last evaluated: 2024-03-28. Review status: criteria provided, single submitter. Criteria: ACMG Guidelines, 2015. Collection method: clinical testing. Allele origin: germline.

Labcorp Genetics (formerly Invitae), Labcorp
Classification: Pathogenic for Catecholaminergic polymorphic ventricular tachycardia 1. Last evaluated: 2023-12-03. Review status: criteria provided, single submitter. Criteria: Invitae Variant Classification Sherloc (09022015). Collection method: clinical testing. Allele origin: germline.
Comment: This sequence change replaces threonine, which is neutral and polar, with methionine, which is neutral and non-polar, at codon 59 of the TRDN protein (p.Thr59Met). This variant is present in population databases (rs397515459, gnomAD 0.006%). This missense change has been observed in individual(s) with clinical features of TRDN-related conditions (PMID: 30649896; Invitae). In at least one individual the data is consistent with being in trans (on the opposite chromosome) from a pathogenic variant. ClinVar contains an entry for this variant (Variation ID: 463670). Advanced modeling of protein sequence and biophysical properties (such as structural, functional, and spatial information, amino acid conservation, physicochemical variation, residue mobility, and thermodynamic stability) performed at Invitae indicates that this missense variant is expected to disrupt TRDN protein function with a positive predictive value of 80%. This variant disrupts the p.Thr59 amino acid residue in TRDN. Other variant(s) that disrupt this residue have been determined to be pathogenic (PMID: 22422768). This suggests that this residue is clinically significant, and that variants that disrupt this residue are likely to be disease-causing. For these reasons, this variant has been classified as Pathogenic.

Ambry Genetics
Classification: Uncertain significance for Cardiovascular phenotype. Last evaluated: 2020-10-28. Review status: criteria provided, single submitter. Criteria: Ambry Variant Classification Scheme 2023. Collection method: clinical testing. Allele origin: germline.
Comment: The p.T59M variant (also known as c.176C>T), located in coding exon 2 of the TRDN gene, results from a C to T substitution at nucleotide position 176. The threonine at codon 59 is replaced by methionine, an amino acid with similar properties. This variant has been reported in one individual with a history of sudden cardiac arrest, prolonged QTc, and T-wave inversions, who also had a second TRDN splicing variant detected; however, confirmation of phase (cis or trans) information was not provided (Clemens DJ et al. Circ Genom Precis Med, 2019 02;12:e002419). This amino acid position is highly conserved in available vertebrate species. In addition, this alteration is predicted to be deleterious by in silico analysis. Since supporting evidence is limited at this time, the clinical significance of this alteration remains unclear.

Neuberg Centre For Genomic Medicine, NCGM
Classification: Uncertain significance for Catecholaminergic polymorphic ventricular tachycardia 5. Review status: criteria provided, single submitter. Criteria: ACMG Guidelines, 2015. Collection method: clinical testing. Allele origin: germline. Inheritance: Autosomal recessive inheritance. Affected: yes.
Comment: The missense variant c.176C>Tp.Thr59Met in TRDN gene has been observed in compound heterozygous state in individuals with clinical features of TRDN-related conditions Clemens et. al., 2019. The p.Thr59Met variant is novel not in any individuals in 1000 Genomes and has allele frequency of 0.002% in gnomAD exomes database. This variant has been reported to the ClinVar database as Pathogenic / Uncertain Significance. The amino acid change p.Thr59Met in TRDN is predicted as conserved by GERP++ and PhyloP across 100 vertebrates. The amino acid Thr at position 59 is changed to a Met changing protein sequence and it might alter its composition and physico-chemical properties. Functional studies will be required to confirm the pathogenicity of the variant. For these reasons, this variant has been classified as Uncertain Significance VUS.

Literature cited by the submitters: PubMed 30649896 (cited by Labcorp Genetics (formerly Invitae), Labcorp and Ambry Genetics); PubMed 22422768 (cited by Labcorp Genetics (formerly Invitae), Labcorp).